The following is an entry in ClinVar:

NM_021629.4(GNB4):c.259A>G (p.Thr87Ala)

Gene: GNB4 (G protein subunit beta 4; minus strand). Cytogenetic location: 3q26.33.
Variant type: single nucleotide variant.
Coding change: c.259A>G on transcript NM_021629.4 (MANE Select); coding-DNA position 259, A replaced by G.
Protein change: p.Thr87Ala; replaces threonine 87 with alanine.
Molecular consequence: missense variant.
Genome position (GRCh38, 1-based): chr3:179,416,501, T>C on the plus strand (A>G on the coding strand, the complement: GNB4 is on the minus strand). VCF-style: chr3-179416501-T-C. GRCh37 (hg19) VCF-style: chr3-179134289-T-C.
Other names: short protein forms T87A.
Identifiers: ClinVar variation 1091341 (VCV001091341.11), dbSNP rs780046027, ClinGen allele CA2712527.

ClinVar aggregate classification (germline): Likely benign. Review status: criteria provided, multiple submitters, no conflicts (2 of 4 stars). 2 submissions from 2 submitters: Likely benign (2). Last evaluated 2026-06-01.

Conditions:
Charcot-Marie-Tooth disease dominant intermediate F. Identifiers: Orphanet 352670, MedGen C4749463, MONDO:0014074, OMIM 615185.

Allele frequency attached by ClinVar (database versions not stated): gnomAD 0.00003 and 0.00004; gnomAD exomes 0.00004 and 0.00024; TOPMed 0.00008; ExAC 0.00023.
gnomAD v4.1: 66 of 1,567,442 alleles (0.0042%); highest among the groups gnomAD compares: Admixed American, 0.11%; 1 homozygote.

Submissions (2):

CeGaT Center for Human Genetics Tuebingen
Classification: Likely benign. Last evaluated: 2026-06-01. Review status: criteria provided, single submitter. Criteria: CeGaT Center For Human Genetics Tuebingen Variant Classification Criteria Version 2. Collection method: clinical testing. Allele origin: germline. Affected: yes. Observed: 1 variant allele.
Comment: GNB4: BS1

Labcorp Genetics (formerly Invitae), Labcorp
Classification: Likely benign for Charcot-Marie-Tooth disease dominant intermediate F. Last evaluated: 2025-07-09. Review status: criteria provided, single submitter. Criteria: Invitae Variant Classification Sherloc (09022015). Collection method: clinical testing. Allele origin: germline.